The following is an entry in ClinVar:

ClinVar aggregate classification (germline): Uncertain significance (1 of 4 stars; one submission).

Submission:

Dasa
Classification: Uncertain significance. Last evaluated: 2025-09-16. Review status: criteria provided, single submitter. Criteria: DASA Assertion Criteria. Collection method: clinical testing. Allele origin: germline.
Comment: NM_006912.6(RIT1):c.187C>T (p.Arg63Cys) is a missense variant that results in the substitution of arginine with cysteine. This variant is absent from population databases. The currently available literature and clinical evidence are not sufficient to establish a definitive association between this variant and the reported condition. Therefore, this variant is classified as a variant of uncertain significance.

NM_006912.6(RIT1):c.187C>T (p.Arg63Cys)

Gene: RIT1 (Ras like without CAAX 1; minus strand). Cytogenetic location: 1q22.
Variant type: single nucleotide variant.
Coding change: c.187C>T on transcript NM_006912.6 (MANE Select); coding-DNA position 187, C replaced by T.
Protein change: p.Arg63Cys; replaces arginine 63 with cysteine.
Molecular consequence: missense variant.
Genome position (GRCh38, 1-based): chr1:155,904,781, G>A on the plus strand (C>T on the coding strand, the complement: RIT1 is on the minus strand). VCF-style: chr1-155904781-G-A. GRCh37 (hg19) VCF-style: chr1-155874572-G-A.
Other names: c.79C>T, p.Arg27Cys (NM_001256820.2); c.238C>T, p.Arg80Cys (NM_001256821.2); short protein forms R27C, R63C, R80C.
Identifiers: ClinVar variation 5020865 (VCV005020865.1).